The following is an entry in ClinVar:

ClinVar aggregate classification (germline): Uncertain significance (1 of 4 stars; one submission).

Conditions:
MHC class II deficiency. Also called: Bare lymphocyte syndrome 2; BLS, TYPE II. Identifiers: Orphanet 572, MedGen C5447452, MONDO:0008855.

Submission:

Labcorp Genetics (formerly Invitae), Labcorp
Classification: Uncertain significance for MHC class II deficiency. Last evaluated: 2022-05-18. Review status: criteria provided, single submitter. Criteria: Invitae Variant Classification Sherloc (09022015). Collection method: clinical testing. Allele origin: germline.
Comment: This sequence change replaces threonine, which is neutral and polar, with arginine, which is basic and polar, at codon 192 of the RFXANK protein (p.Thr192Arg). This variant is not present in population databases (gnomAD no frequency). This variant has not been reported in the literature in individuals affected with RFXANK-related conditions. Algorithms developed to predict the effect of missense changes on protein structure and function are either unavailable or do not agree on the potential impact of this missense change (SIFT: "Tolerated"; PolyPhen-2: "Probably Damaging"; Align-GVGD: "Class C15"). In summary, the available evidence is currently insufficient to determine the role of this variant in disease. Therefore, it has been classified as a Variant of Uncertain Significance.

NM_003721.4(RFXANK):c.575C>G (p.Thr192Arg)

Gene: RFXANK (regulatory factor X associated ankyrin containing protein; plus strand). Cytogenetic location: 19p13.11.
Variant type: single nucleotide variant.
Coding change: c.575C>G on transcript NM_003721.4 (MANE Select); coding-DNA position 575, C replaced by G.
Protein change: p.Thr192Arg; replaces threonine 192 with arginine.
Molecular consequence: missense variant.
Genome position (GRCh38, 1-based): chr19:19,198,667, C>G. VCF-style: chr19-19198667-C-G. GRCh37 (hg19) VCF-style: chr19-19309476-C-G.
Other names: c.509C>G, p.Thr170Arg (NM_001278727.2, NM_001370234.1); c.506C>G, p.Thr169Arg (NM_001278728.2, NM_134440.3); c.575C>G, p.Thr192Arg (NM_001370233.1, NM_001370238.1); c.572C>G, p.Thr191Arg (NM_001370235.1, NM_001370236.1, NM_001370237.1); short protein forms T191R, T170R, T169R, T192R.
Identifiers: ClinVar variation 1996189 (VCV001996189.4), dbSNP rs1393172112, ClinGen allele CA404896638.